The following is an entry in ClinVar:

ClinVar aggregate classification (germline): Uncertain significance. Review status: criteria provided, multiple submitters, no conflicts (2 of 4 stars). 3 submissions from 3 submitters: Uncertain significance (2). 1 of the submissions does not count toward it. Last evaluated 2025-10-02.

Conditions:
Neuromuscular disease caused by qualitative or quantitative defects of dysferlin. Also called: Dysferlinopathy; Qualitative or quantitative defects of dysferlin. Identifiers: Orphanet 207073, MedGen C2931687, MONDO:0016145.
Autosomal recessive limb-girdle muscular dystrophy type 2B (LGMDR2). Also called: MUSCULAR DYSTROPHY, LIMB-GIRDLE, AUTOSOMAL RECESSIVE 2; Limb-girdle muscular dystrophy, type 2B; MUSCULAR DYSTROPHY, LIMB-GIRDLE, TYPE 3; Limb-Girdle Muscular Dystrophy Type 2B (LGMD2B). Identifiers: Orphanet 268, MedGen C1850889, MONDO:0009676, OMIM 253601.

gnomAD v4.1: 9 of 1,614,106 alleles (0.00056%); highest among the groups gnomAD compares: Admixed American, 0.0017%; no homozygotes.

Submissions (3):

Labcorp Genetics (formerly Invitae), Labcorp
Classification: Uncertain significance for Neuromuscular disease caused by qualitative or quantitative defects of dysferlin. Last evaluated: 2025-10-02. Review status: criteria provided, single submitter. Criteria: Invitae Variant Classification Sherloc (09022015). Collection method: clinical testing. Allele origin: germline.
Comment: This sequence change replaces threonine, which is neutral and polar, with arginine, which is basic and polar, at codon 1036 of the DYSF protein (p.Thr1036Arg). This variant is present in population databases (no rsID available, gnomAD 0.003%). This variant has not been reported in the literature in individuals affected with DYSF-related conditions. ClinVar contains an entry for this variant (Variation ID: 582986). Invitae Evidence Modeling of protein sequence and biophysical properties (such as structural, functional, and spatial information, amino acid conservation, physicochemical variation, residue mobility, and thermodynamic stability) has been performed for this missense variant. However, the output from this modeling did not meet the statistical confidence thresholds required to predict the impact of this variant on DYSF protein function. In summary, the available evidence is currently insufficient to determine the role of this variant in disease. Therefore, it has been classified as a Variant of Uncertain Significance.

Mayo Clinic Laboratories, Mayo Clinic
Classification: Uncertain significance. Last evaluated: 2024-03-13. Review status: criteria provided, single submitter. Criteria: ACMG Guidelines, 2015. Collection method: clinical testing. Allele origin: germline. Observed: 1 variant allele.

Natera, Inc.
Classification: Uncertain significance for Limb-girdle muscular dystrophy type 2B. Last evaluated: 2019-11-11. Review status: no assertion criteria provided. Collection method: clinical testing. Allele origin: germline. Not counted in ClinVar's aggregate classification.

NM_001130987.2(DYSF):c.3161C>G (p.Thr1054Arg)

Gene: DYSF (dysferlin; plus strand). Cytogenetic location: 2p13.2.
Variant type: single nucleotide variant.
Coding change: c.3161C>G on transcript NM_001130987.2 (MANE Select); coding-DNA position 3161, C replaced by G.
Protein change: p.Thr1054Arg; replaces threonine 1054 with arginine.
Molecular consequence: missense variant.
Genome position (GRCh38, 1-based): chr2:71,570,674, C>G. VCF-style: chr2-71570674-C-G. GRCh37 (hg19) VCF-style: chr2-71797804-C-G.
Other names: p.Thr1036Arg; c.3110C>G, p.Thr1037Arg (NM_001130455.2, NM_001130983.2); c.3065C>G, p.Thr1022Arg (NM_001130976.2, NM_001130977.2); c.3107C>G, p.Thr1036Arg (NM_001130978.2, NM_003494.4); c.3200C>G, p.Thr1067Arg (NM_001130979.2); c.3158C>G, p.Thr1053Arg (NM_001130980.2, NM_001130981.2); c.3203C>G, p.Thr1068Arg (NM_001130982.2); c.3068C>G, p.Thr1023Arg (NM_001130984.2, NM_001130986.2); and 1 more; short protein forms T1036R, T1054R, T1022R, T1053R, T1068R, T1023R, T1037R, T1067R.
Identifiers: ClinVar variation 582986 (VCV000582986.9), dbSNP rs770883682, ClinGen allele CA49746708.